The following is an entry in ClinVar:

ClinVar aggregate classification (germline): Conflicting classifications of pathogenicity. Review status: criteria provided, conflicting classifications (1 of 4 stars). 3 submissions from 3 submitters: Uncertain significance (2); Likely benign (1). Last evaluated 2026-08-21.

Conditions:
CDHR1-related disorder. Also called: CDHR1-related condition.
Cone-rod dystrophy 15 (CORD15). Identifiers: MedGen C3150912, MONDO:0013348, OMIM 613660.

Allele frequency attached by ClinVar (database versions not stated): ExAC 0.00002; gnomAD exomes 0.00003; TOPMed 0.00003.

Submissions (3):

PreventionGenetics, part of Exact Sciences
Classification: Uncertain significance for CDHR1-related condition. Last evaluated: 2026-08-21. Review status: criteria provided, single submitter. Criteria: ACMG Guidelines, 2015. Collection method: clinical testing. Allele origin: germline.
Comment: The CDHR1 c.784-4C>T variant is predicted to interfere with splicing. This variant is predicted to impact splicing due to one available splicing algorithm (SpliceAI, Jaganathan et al. 2019. PubMed ID: 30661751). To our knowledge, this variant has not been reported in the literature. This variant is reported in 0.035% of alleles in individuals of East Asian descent in gnomAD. Although we suspect that this variant may be benign, at this time, the clinical significance of this variant is uncertain due to the absence of conclusive functional and genetic evidence.

Labcorp Genetics (formerly Invitae), Labcorp
Classification: Likely benign. Last evaluated: 2025-10-27. Review status: criteria provided, single submitter. Criteria: Invitae Variant Classification Sherloc (09022015). Collection method: clinical testing. Allele origin: germline.

Illumina Laboratory Services, Illumina
Classification: Uncertain significance for Cone-rod dystrophy 15. Last evaluated: 2018-01-15. Review status: criteria provided, single submitter. Criteria: ICSL Variant Classification Criteria 13 December 2019. Collection method: clinical testing. Allele origin: germline.

NM_033100.4(CDHR1):c.784-4C>T

Gene: CDHR1 (cadherin related family member 1; plus strand). Cytogenetic location: 10q23.1.
Variant type: single nucleotide variant.
Coding change: c.784-4C>T on transcript NM_033100.4 (MANE Select); 4 bases into the intron before coding-DNA position 784, C replaced by T.
Molecular consequence: intron variant.
Genome position (GRCh38, 1-based): chr10:84,204,523, C>T. VCF-style: chr10-84204523-C-T. GRCh37 (hg19) VCF-style: chr10-85964279-C-T.
Other names: c.784-4C>T (NM_001171971.3).
Identifiers: ClinVar variation 877770 (VCV000877770.12), dbSNP rs768106524, ClinGen allele CA5579704.